The following is an entry in ClinVar:

ClinVar aggregate classification (germline): Uncertain significance. Review status: criteria provided, multiple submitters, no conflicts (2 of 4 stars). 2 submissions from 2 submitters: Uncertain significance (2). Last evaluated 2022-08-16.

Conditions:
Inborn genetic diseases. Identifiers: MedGen C0950123, MeSH D030342.
Muscular dystrophy-dystroglycanopathy (congenital with brain and eye anomalies), type a, 8 (MDDGA8). Also called: WALKER-WARBURG SYNDROME OR MUSCLE-EYE-BRAIN DISEASE, GTDC2-RELATED. Identifiers: Orphanet 899, MedGen C3553813, MONDO:0013904, OMIM 614830.

Allele frequency attached by ClinVar (database versions not stated): gnomAD exomes below 0.00001 and 0.00001; TOPMed below 0.00001; ExAC 0.00001; gnomAD 0.00001.
gnomAD v4.1: 10 of 1,613,868 alleles (0.00062%); highest among the groups gnomAD compares: South Asian, 0.0033%; no homozygotes.

Submissions (2):

Labcorp Genetics (formerly Invitae), Labcorp
Classification: Uncertain significance for Muscular dystrophy-dystroglycanopathy (congenital with brain and eye anomalies), type a, 8. Last evaluated: 2022-08-16. Review status: criteria provided, single submitter. Criteria: Invitae Variant Classification Sherloc (09022015). Collection method: clinical testing. Allele origin: germline.
Comment: In summary, the available evidence is currently insufficient to determine the role of this variant in disease. Therefore, it has been classified as a Variant of Uncertain Significance. Algorithms developed to predict the effect of missense changes on protein structure and function output the following: SIFT: "Deleterious"; PolyPhen-2: "Benign"; Align-GVGD: "Class C0". The histidine amino acid residue is found in multiple mammalian species, which suggests that this missense change does not adversely affect protein function. ClinVar contains an entry for this variant (Variation ID: 1350906). This variant has not been reported in the literature in individuals affected with POMGNT2-related conditions. This variant is present in population databases (rs758493413, gnomAD 0.006%). This sequence change replaces arginine, which is basic and polar, with histidine, which is basic and polar, at codon 501 of the POMGNT2 protein (p.Arg501His).

Ambry Genetics
Classification: Uncertain significance for Inborn genetic diseases. Last evaluated: 2022-06-03. Review status: criteria provided, single submitter. Criteria: Ambry Variant Classification Scheme 2023. Collection method: clinical testing. Allele origin: germline.

NM_032806.6(POMGNT2):c.1502G>A (p.Arg501His)

Gene: POMGNT2 (protein O-linked mannose N-acetylglucosaminyltransferase 2 (beta 1,4-); minus strand). Cytogenetic location: 3p22.1.
Variant type: single nucleotide variant.
Coding change: c.1502G>A on transcript NM_032806.6 (MANE Select); coding-DNA position 1502, G replaced by A.
Protein change: p.Arg501His; replaces arginine 501 with histidine.
Molecular consequence: missense variant.
Genome position (GRCh38, 1-based): chr3:43,079,930, C>T on the plus strand (G>A on the coding strand, the complement: POMGNT2 is on the minus strand). VCF-style: chr3-43079930-C-T. GRCh37 (hg19) VCF-style: chr3-43121422-C-T.
Other names: c.1502G>A (NM_032806.4); short protein forms R501H.
Identifiers: ClinVar variation 1350906 (VCV001350906.6), dbSNP rs758493413, ClinGen allele CA2339833.
Genomic context (GRCh38, chr3:43,079,930, plus strand): 5'-TTCACCTCCCTCACCTTCAGGTATTTAAGGTTCCATGGGATCTGCCAGGAGACAGTGAGG[C>T]GGGCCTCGGAGGCGCCATGCACTGACGCCTGGCACCGTGCCTCCCGCACCTTGCCTGGAT-3'
Protein context (NP_116195.2, residues 491-511): QASVHGASEA[Arg501His]LTVSWQIPWN